The following is an entry in ClinVar:

ClinVar aggregate classification (germline): Uncertain significance (1 of 4 stars; one submission).

Allele frequency attached by ClinVar (database versions not stated): gnomAD 0.00003; TOPMed 0.00002.
gnomAD v4.1: 13 of 1,614,052 alleles (0.00081%); highest among the groups gnomAD compares: African/African-American, 0.0027%; no homozygotes.

Submission:

Labcorp Genetics (formerly Invitae), Labcorp
Classification: Uncertain significance. Last evaluated: 2022-03-31. Review status: criteria provided, single submitter. Criteria: Invitae Variant Classification Sherloc (09022015). Collection method: clinical testing. Allele origin: germline.
Comment: This sequence change replaces asparagine, which is neutral and polar, with lysine, which is basic and polar, at codon 186 of the TYRP1 protein (p.Asn186Lys). This variant is not present in population databases (gnomAD no frequency). This variant has not been reported in the literature in individuals affected with TYRP1-related conditions. Algorithms developed to predict the effect of missense changes on protein structure and function are either unavailable or do not agree on the potential impact of this missense change (SIFT: "Deleterious"; PolyPhen-2: "Probably Damaging"; Align-GVGD: "Class C0"). Algorithms developed to predict the effect of sequence changes on RNA splicing suggest that this variant may create or strengthen a splice site. In summary, the available evidence is currently insufficient to determine the role of this variant in disease. Therefore, it has been classified as a Variant of Uncertain Significance.

NM_000550.3(TYRP1):c.558C>G (p.Asn186Lys)

Gene: TYRP1 (tyrosinase related protein 1; plus strand). Cytogenetic location: 9p23.
Variant type: single nucleotide variant.
Coding change: c.558C>G on transcript NM_000550.3 (MANE Select); coding-DNA position 558, C replaced by G.
Protein change: p.Asn186Lys; replaces asparagine 186 with lysine.
Molecular consequence: missense variant.
Genome position (GRCh38, 1-based): chr9:12,695,687, C>G. VCF-style: chr9-12695687-C-G. GRCh37 (hg19) VCF-style: chr9-12695687-C-G.
Other names: short protein forms N186K.
Identifiers: ClinVar variation 1370361 (VCV001370361.6), dbSNP rs1188667092, ClinGen allele CA372937545.